The following is an entry in ClinVar:

NM_000064.4(C3):c.3884A>G (p.Asp1295Gly)

Gene: C3 (complement C3; minus strand). Cytogenetic location: 19p13.3.
Variant type: single nucleotide variant.
Coding change: c.3884A>G on transcript NM_000064.4 (MANE Select); coding-DNA position 3884, A replaced by G.
Protein change: p.Asp1295Gly; replaces aspartic acid 1295 with glycine.
Molecular consequence: missense variant.
Genome position (GRCh38, 1-based): chr19:6,685,073, T>C on the plus strand (A>G on the coding strand, the complement: C3 is on the minus strand). VCF-style: chr19-6685073-T-C. GRCh37 (hg19) VCF-style: chr19-6685084-T-C.
Other names: c.3884A>G (NM_000064.2); short protein forms D1295G.
Identifiers: ClinVar variation 1346241 (VCV001346241.9), dbSNP rs369027752, ClinGen allele CA304775049.
Genomic context (GRCh38, chr19:6,685,073, plus strand): 5'-GATTCCCAGTGGATACGGTGGGTGATCTTGGAGCTGCGGCTGGGCAGTTGGAGGGACACA[T>C]CAAGGTTCAGTTCCTGGTGGTCAGGGGCGTCCTTTTGGTATTGAGCCAAGGCTTGGAACA-3'
Protein context (NP_000055.2, residues 1285-1305): DAPDHQELNL[Asp1295Gly]VSLQLPSRSS

ClinVar aggregate classification (germline): Uncertain significance. Review status: criteria provided, multiple submitters, no conflicts (2 of 4 stars). 2 submissions from 2 submitters: Uncertain significance (2). Last evaluated 2025-04-06.

Conditions:
Inborn genetic diseases. Identifiers: MedGen C0950123, MeSH D030342.

gnomAD v4.1: 6 of 1,613,854 alleles (0.00037%); highest among the groups gnomAD compares: Admixed American, 0.0033%; no homozygotes.

Submissions (2):

Ambry Genetics
Classification: Uncertain significance for Inborn genetic diseases. Last evaluated: 2025-04-06. Review status: criteria provided, single submitter. Criteria: Ambry Variant Classification Scheme 2023. Collection method: clinical testing. Allele origin: germline.

Labcorp Genetics (formerly Invitae), Labcorp
Classification: Uncertain significance. Last evaluated: 2022-08-16. Review status: criteria provided, single submitter. Criteria: Invitae Variant Classification Sherloc (09022015). Collection method: clinical testing. Allele origin: germline.
Comment: In summary, the available evidence is currently insufficient to determine the role of this variant in disease. Therefore, it has been classified as a Variant of Uncertain Significance. Algorithms developed to predict the effect of sequence changes on RNA splicing suggest that this variant may create or strengthen a splice site. Algorithms developed to predict the effect of missense changes on protein structure and function are either unavailable or do not agree on the potential impact of this missense change (SIFT: "Deleterious"; PolyPhen-2: "Benign"; Align-GVGD: "Class C0"). ClinVar contains an entry for this variant (Variation ID: 1346241). This variant has not been reported in the literature in individuals affected with C3-related conditions. This variant is present in population databases (rs369027752, gnomAD 0.003%). This sequence change replaces aspartic acid, which is acidic and polar, with glycine, which is neutral and non-polar, at codon 1295 of the C3 protein (p.Asp1295Gly).